The following is an entry in ClinVar:

ClinVar aggregate classification (germline): Uncertain significance (1 of 4 stars; one submission).

Conditions:
RYR1-related disorder. Also called: RYR1-related condition; RYR1-related disorders. Identifiers: MedGen CN239331.

Submission:

Labcorp Genetics (formerly Invitae), Labcorp
Classification: Uncertain significance for RYR1-related disorder. Last evaluated: 2022-05-18. Review status: criteria provided, single submitter. Criteria: Invitae Variant Classification Sherloc (09022015). Collection method: clinical testing. Allele origin: germline.
Comment: This sequence change replaces methionine, which is neutral and non-polar, with leucine, which is neutral and non-polar, at codon 1635 of the RYR1 protein (p.Met1635Leu). This variant is not present in population databases (gnomAD no frequency). This variant has not been reported in the literature in individuals affected with RYR1-related conditions. Advanced modeling of protein sequence and biophysical properties (such as structural, functional, and spatial information, amino acid conservation, physicochemical variation, residue mobility, and thermodynamic stability) performed at Invitae indicates that this missense variant is not expected to disrupt RYR1 protein function. In summary, the available evidence is currently insufficient to determine the role of this variant in disease. Therefore, it has been classified as a Variant of Uncertain Significance.

NM_000540.3(RYR1):c.4903A>T (p.Met1635Leu)

Gene: RYR1 (ryanodine receptor 1; plus strand). Cytogenetic location: 19q13.2.
Variant type: single nucleotide variant.
Coding change: c.4903A>T on transcript NM_000540.3 (MANE Select); coding-DNA position 4903, A replaced by T.
Protein change: p.Met1635Leu; replaces methionine 1635 with leucine.
Molecular consequence: missense variant.
Genome position (GRCh38, 1-based): chr19:38,483,485, A>T. VCF-style: chr19-38483485-A-T. GRCh37 (hg19) VCF-style: chr19-38974125-A-T.
Other names: c.4903A>T, p.Met1635Leu (NM_001042723.2); short protein forms M1635L.
Identifiers: ClinVar variation 1996067 (VCV001996067.4), dbSNP rs1969120993, ClinGen allele CA405650923.